The following is an entry in ClinVar:

NM_004006.3(DMD):c.1015G>A (p.Val339Ile)

Gene: DMD (dystrophin; minus strand). Cytogenetic location: Xp21.1.
Variant type: single nucleotide variant.
Coding change: c.1015G>A on transcript NM_004006.3 (MANE Select); coding-DNA position 1015, G replaced by A.
Protein change: p.Val339Ile; replaces valine 339 with isoleucine.
Molecular consequence: missense variant.
Genome position (GRCh38, 1-based): chrX:32,645,098, C>T on the plus strand (G>A on the coding strand, the complement: DMD is on the minus strand). VCF-style: chrX-32645098-C-T. GRCh37 (hg19) VCF-style: chrX-32663215-C-T.
Other names: c.991G>A, p.Val331Ile (NM_000109.4); c.1003G>A, p.Val335Ile (NM_004009.3); c.646G>A, p.Val216Ile (NM_004010.3); short protein forms V339I, V335I, V216I, V331I.
Identifiers: ClinVar variation 289130 (VCV000289130.10), dbSNP rs886044093, ClinGen allele CA10606339.

ClinVar aggregate classification (germline): Uncertain significance. Review status: criteria provided, multiple submitters, no conflicts (2 of 4 stars). 3 submissions from 3 submitters: Uncertain significance (2). 1 of the submissions does not count toward it. Last evaluated 2021-09-02.

Conditions:
Cardiomyopathy (CMYO). Also called: Cardiomyopathies. Identifiers: Orphanet 167848, MedGen C0878544, MONDO:0004994, HP:0001638. Inheritance: Various modes of inheritance.
Becker muscular dystrophy (BMD). Also called: MUSCULAR DYSTROPHY, PSEUDOHYPERTROPHIC PROGRESSIVE, BECKER TYPE; Becker Muscular Dystrophy (BMD). Identifiers: Orphanet 98895, MedGen C0917713, MONDO:0010311, OMIM 300376.
Duchenne muscular dystrophy (DMD). Also called: Duchenne Muscular Dystrophy (DMD); MUSCULAR DYSTROPHY, PSEUDOHYPERTROPHIC PROGRESSIVE, DUCHENNE TYPE. Identifiers: Orphanet 98896, MedGen C0013264, MONDO:0010679, OMIM 310200.
Dystrophin deficiency.

Allele frequency attached by ClinVar (database versions not stated): gnomAD exomes below 0.00001; TOPMed below 0.00001.
gnomAD v4.1: 1 of 1,211,726 alleles (0.000083%); highest among the groups gnomAD compares: Non-Finnish European, 0.00011%; no homozygotes.

Submissions (3):

Labcorp Genetics (formerly Invitae), Labcorp
Classification: Uncertain significance for Duchenne muscular dystrophy. Last evaluated: 2021-09-02. Review status: criteria provided, single submitter. Criteria: Invitae Variant Classification Sherloc (09022015). Collection method: clinical testing. Allele origin: germline.
Comment: This sequence change replaces valine with isoleucine at codon 339 of the DMD protein (p.Val339Ile). The valine residue is moderately conserved and there is a small physicochemical difference between valine and isoleucine. This variant is not present in population databases (ExAC no frequency). This variant has not been reported in the literature in individuals affected with DMD-related conditions. ClinVar contains an entry for this variant (Variation ID: 289130). Algorithms developed to predict the effect of missense changes on protein structure and function are either unavailable or do not agree on the potential impact of this missense change (SIFT: "Tolerated"; PolyPhen-2: "Possibly Damaging"; Align-GVGD: "Class C0"). In summary, the available evidence is currently insufficient to determine the role of this variant in disease. Therefore, it has been classified as a Variant of Uncertain Significance.

Eurofins Ntd Llc (ga)
Classification: Uncertain significance. Last evaluated: 2016-06-30. Review status: criteria provided, single submitter. Criteria: EGL Classification Definitions 2015. Collection method: clinical testing. Allele origin: germline. Observed: 1 variant allele, 1 heterozygote.

Natera, Inc.
Classification: Uncertain significance for Becker muscular dystrophy; Cardiomyopathy; Duchenne muscular dystrophy; Dystrophin deficiency. Last evaluated: 2020-12-22. Review status: no assertion criteria provided. Collection method: clinical testing. Allele origin: germline. Not counted in ClinVar's aggregate classification.